The following is an entry in ClinVar:

NM_017780.4(CHD7):c.6775+1G>A

Gene: CHD7 (chromodomain helicase DNA binding protein 7; plus strand). Cytogenetic location: 8q12.2.
Variant type: single nucleotide variant.
Coding change: c.6775+1G>A on transcript NM_017780.4 (MANE Select); the canonical splice donor site of the intron after coding-DNA position 6775, G replaced by A.
Molecular consequence: splice donor variant. On other transcripts: intron variant (1).
Genome position (GRCh38, 1-based): chr8:60,853,501, G>A. VCF-style: chr8-60853501-G-A. GRCh37 (hg19) VCF-style: chr8-61766060-G-A.
Other names: c.1717-8728G>A (NM_001316690.1).
Identifiers: ClinVar variation 1457977 (VCV001457977.6), dbSNP rs1805573066, ClinGen allele CA371326308.

ClinVar aggregate classification (germline): Pathogenic (1 of 4 stars; one submission).

Conditions:
CHARGE syndrome (CHARGE). Also called: Coloboma, heart anomaly, choanal atresia, retardation, genital and ear anomalies; CHARGE association; Hall-Hittner syndrome; Hittner Hirsch Kreh syndrome; CHARGE ASSOCIATION--COLOBOMA, HEART ANOMALY, CHOANAL ATRESIA, RETARDATION, GENITAL AND EAR ANOMALIES. Identifiers: Orphanet 138, MedGen C0265354, MONDO:0008965.

Submission:

Labcorp Genetics (formerly Invitae), Labcorp
Classification: Pathogenic for CHARGE syndrome. Last evaluated: 2021-09-03. Review status: criteria provided, single submitter. Criteria: Invitae Variant Classification Sherloc (09022015). Collection method: clinical testing. Allele origin: germline.
Comment: For these reasons, this variant has been classified as Pathogenic. This sequence change affects a donor splice site in intron 31 of the CHD7 gene. It is expected to disrupt RNA splicing. Variants that disrupt the donor or acceptor splice site typically lead to a loss of protein function (PMID: 16199547), and loss-of-function variants in CHD7 are known to be pathogenic (PMID: 22461308, 25077900). This variant is not present in population databases (ExAC no frequency). Disruption of this splice site has been observed in individuals with clinical features of CHARGE syndrome (PMID: 29304373; Invitae). Algorithms developed to predict the effect of sequence changes on RNA splicing suggest that this variant may disrupt the consensus splice site.

Literature cited by the submitters: PubMed 16199547; PubMed 22461308; PubMed 25077900; PubMed 29304373.